The following is an entry in ClinVar:

NM_001035.3(RYR2):c.11326-13A>G

Gene: RYR2 (ryanodine receptor 2; plus strand). Cytogenetic location: 1q43.
Variant type: single nucleotide variant.
Coding change: c.11326-13A>G on transcript NM_001035.3 (MANE Select); 13 bases into the intron before coding-DNA position 11326, A replaced by G.
Molecular consequence: intron variant.
Genome position (GRCh38, 1-based): chr1:237,759,763, A>G. VCF-style: chr1-237759763-A-G. GRCh37 (hg19) VCF-style: chr1-237923063-A-G.
Identifiers: ClinVar variation 3071196 (VCV003071196.1), dbSNP rs2527444138, ClinGen allele CA2651213509.

ClinVar aggregate classification (germline): Likely benign (1 of 4 stars; one submission).

Conditions:
Catecholaminergic polymorphic ventricular tachycardia (CVPT). Also called: Catecholamine-induced polymorphic ventricular tachycardia. Identifiers: Orphanet 3286, MedGen C5574922, MONDO:0017990.

Allele frequency attached by ClinVar (database versions not stated): gnomAD exomes below 0.00001.
gnomAD v4.1: 1 of 1,583,846 alleles (0.000063%); highest among the groups gnomAD compares: Non-Finnish European, 0.000087%; no homozygotes.

Submission:

All of Us Research Program, National Institutes of Health
Classification: Likely benign for Catecholaminergic polymorphic ventricular tachycardia. Last evaluated: 2023-05-16. Review status: criteria provided, single submitter. Criteria: ACMG Guidelines, 2015. Collection method: clinical testing. Allele origin: germline. Inheritance: Autosomal dominant inheritance. Observed: 1 variant allele, 1 heterozygote.
Comment: This study involves interpretation of variants in research participants for the purpose of population health screening. Participant phenotype was not available at the time of variant classification. Additional details can be found in publication PMID: 35346344, PMCID: PMC8962531